The following is an entry in ClinVar:

ClinVar aggregate classification (germline): Uncertain significance (1 of 4 stars; one submission).

Conditions:
Leukocyte adhesion deficiency 1 (LAD1). Also called: LEUKOCYTE ADHESION DEFICIENCY, TYPE I; LAD 1; Lymphocyte function-associated antigen 1 immunodeficiency; LFA 1 immunodeficiency. Identifiers: Orphanet 2968, Orphanet 99842, MedGen C0398738, MONDO:0007293, OMIM 116920.

Allele frequency attached by ClinVar (database versions not stated): ExAC 0.00003; gnomAD exomes 0.00003; 1000 Genomes Project 0.00020; 1000 Genomes Project 30x 0.00031.
gnomAD v4.1: 29 of 1,612,074 alleles (0.0018%); highest among the groups gnomAD compares: Middle Eastern, 0.033%; no homozygotes.

Submission:

Labcorp Genetics (formerly Invitae), Labcorp
Classification: Uncertain significance for Leukocyte adhesion deficiency 1. Last evaluated: 2022-02-24. Review status: criteria provided, single submitter. Criteria: Invitae Variant Classification Sherloc (09022015). Collection method: clinical testing. Allele origin: germline.
Comment: This sequence change replaces glutamic acid, which is acidic and polar, with aspartic acid, which is acidic and polar, at codon 668 of the ITGB2 protein (p.Glu668Asp). This variant is present in population databases (rs565042973, gnomAD 0.005%). This variant has not been reported in the literature in individuals affected with ITGB2-related conditions. Algorithms developed to predict the effect of missense changes on protein structure and function output the following: SIFT: "Tolerated"; PolyPhen-2: "Benign"; Align-GVGD: "Class C0". The aspartic acid amino acid residue is found in multiple mammalian species, which suggests that this missense change does not adversely affect protein function. In summary, the available evidence is currently insufficient to determine the role of this variant in disease. Therefore, it has been classified as a Variant of Uncertain Significance.

NM_000211.5(ITGB2):c.2004G>C (p.Glu668Asp)

Gene: ITGB2 (integrin subunit beta 2; minus strand). Cytogenetic location: 21q22.3.
Variant type: single nucleotide variant.
Coding change: c.2004G>C on transcript NM_000211.5 (MANE Select); coding-DNA position 2004, G replaced by C.
Protein change: p.Glu668Asp; replaces glutamic acid 668 with aspartic acid.
Molecular consequence: missense variant.
Genome position (GRCh38, 1-based): chr21:44,888,769, C>G on the plus strand (G>C on the coding strand, the complement: ITGB2 is on the minus strand). VCF-style: chr21-44888769-C-G. GRCh37 (hg19) VCF-style: chr21-46308684-C-G.
Other names: c.2004G>C, p.Glu668Asp (NM_001127491.3); c.1797G>C, p.Glu599Asp (NM_001303238.2); short protein forms E599D, E668D.
Identifiers: ClinVar variation 1515343 (VCV001515343.5), dbSNP rs565042973, ClinGen allele CA10062607.